The following is an entry in ClinVar:

ClinVar aggregate classification (germline): Uncertain significance (1 of 4 stars; one submission).

Conditions:
Charcot-Marie-Tooth disease type 4. Also called: Charcot-Marie-Tooth disease, type IV; Charcot-Marie-Tooth, Type 4. Identifiers: Orphanet 64749, MedGen C4082197, MONDO:0018995.

Submission:

Labcorp Genetics (formerly Invitae), Labcorp
Classification: Uncertain significance for Charcot-Marie-Tooth disease type 4. Last evaluated: 2021-01-08. Review status: criteria provided, single submitter. Criteria: Invitae Variant Classification Sherloc (09022015). Collection method: clinical testing. Allele origin: germline.
Comment: This variant results in a copy number gain of the genomic region encompassing exon(s) 2-5 of the NDRG1 gene. This region includes the initiator codon of the gene. The 5' end of this event is unknown as it extends beyond the assayed region for this gene and therefore may encompass additional genes. The 3' boundary is likely confined to intron 5 of the NDRG1 gene. As the precise location of this event is unknown, it may be in tandem or it may be located elsewhere in the genome. This variant has not been reported in the literature in individuals with NDRG1-related conditions. Experimental studies and prediction algorithms are not available or were not evaluated, and the functional significance of this variant is currently unknown. In summary, the available evidence is currently insufficient to determine the role of this variant in disease. Therefore, it has been classified as a Variant of Uncertain Significance.

NC_000008.10:g.(?_134274280)_(134296564_?)dup

Gene: NDRG1 (N-myc downstream regulated 1; minus strand). Cytogenetic location: 8q24.22.
Variant type: Duplication.
Identifiers: ClinVar variation 1444136 (VCV001444136.3).